The following is an entry in ClinVar:

NM_000038.6(APC):c.2505T>C (p.Ser835=)

Gene: APC (APC regulator of Wnt signaling pathway; plus strand). Cytogenetic location: 5q22.2.
Variant type: single nucleotide variant.
Coding change: c.2505T>C on transcript NM_000038.6 (MANE Select); coding-DNA position 2505, T replaced by C.
Protein change: p.Ser835=; no amino-acid change (serine 835 retained).
Molecular consequence: synonymous variant.
Genome position (GRCh38, 1-based): chr5:112,838,099, T>C. VCF-style: chr5-112838099-T-C. GRCh37 (hg19) VCF-style: chr5-112173796-T-C.
Other names: c.2505T>C, p.Ser835= (NM_001127510.3, NM_001354895.2); c.2451T>C, p.Ser817= (NM_001127511.3); c.2559T>C, p.Ser853= (NM_001354896.2); c.2535T>C, p.Ser845= (NM_001354897.2); c.2430T>C, p.Ser810= (NM_001354898.2); c.2421T>C, p.Ser807= (NM_001354899.2); c.2382T>C, p.Ser794= (NM_001354900.2); c.2328T>C, p.Ser776= (NM_001354901.2); and 5 more.
Identifiers: ClinVar variation 1092110 (VCV001092110.11), dbSNP rs905866396, ClinGen allele CA125167758.

ClinVar aggregate classification (germline): Benign/Likely benign. Review status: criteria provided, multiple submitters, no conflicts (2 of 4 stars). 2 submissions from 2 submitters: Benign (1); Likely benign (1). Last evaluated 2024-03-14.

Conditions:
Familial adenomatous polyposis 1 (FAP1). Also called: FAMILIAL ADENOMATOUS POLYPOSIS 1, ATTENUATED; POLYPOSIS, ADENOMATOUS INTESTINAL. Identifiers: MedGen C2713442, MONDO:0021056, OMIM 175100. Disease mechanism: loss of function.

Submissions (2):

Myriad Genetics, Inc.
Classification: Benign for Familial adenomatous polyposis 1. Last evaluated: 2024-03-14. Review status: criteria provided, single submitter. Criteria: Myriad Autosomal Dominant, Autosomal Recessive and X-Linked Classification Criteria (2023). Collection method: clinical testing. Allele origin: unknown.
Comment: This variant is considered benign. This variant is a silent/synonymous amino acid change and it is not expected to impact splicing.

Labcorp Genetics (formerly Invitae), Labcorp
Classification: Likely benign for Familial adenomatous polyposis 1. Last evaluated: 2022-09-12. Review status: criteria provided, single submitter. Criteria: Invitae Variant Classification Sherloc (09022015). Collection method: clinical testing. Allele origin: germline.